The following is an entry in ClinVar:

NM_000038.6(APC):c.582G>A (p.Arg194=)

Gene: APC (APC regulator of Wnt signaling pathway; plus strand). Cytogenetic location: 5q22.2.
Variant type: single nucleotide variant.
Coding change: c.582G>A on transcript NM_000038.6 (MANE Select); coding-DNA position 582, G replaced by A.
Protein change: p.Arg194=; no amino-acid change (arginine 194 retained).
Molecular consequence: synonymous variant. On other transcripts: 5 prime UTR variant (1).
Genome position (GRCh38, 1-based): chr5:112,780,840, G>A. VCF-style: chr5-112780840-G-A. GRCh37 (hg19) VCF-style: chr5-112116537-G-A.
Other names: c.582G>A, p.Arg194= (NM_001127510.3, NM_001354895.2, NM_001354896.2 and 2 more transcripts); c.612G>A, p.Arg204= (NM_001127511.3, NM_001354897.2, NM_001354902.2); c.507G>A, p.Arg169= (NM_001354898.2, NM_001354904.2); c.405G>A, p.Arg135= (NM_001354900.2, NM_001354901.2, NM_001354905.2); c.-454G>A (NM_001354906.2).
Identifiers: ClinVar variation 219463 (VCV000219463.22), dbSNP rs864622103, ClinGen allele CA350246.

ClinVar aggregate classification (germline): Benign/Likely benign. Review status: criteria provided, multiple submitters, no conflicts (2 of 4 stars). 7 submissions from 7 submitters: Benign (1); Likely benign (6). Last evaluated 2025-08-13.

Conditions:
Classic or attenuated familial adenomatous polyposis. Identifiers: MedGen CN372698, MONDO:0021057.
Hereditary cancer-predisposing syndrome. Also called: Hereditary neoplastic syndrome; Tumor predisposition; Hereditary Cancer Syndrome; Neoplastic Syndromes, Hereditary. Identifiers: Orphanet 140162, MedGen C0027672, MeSH D009386, MONDO:0015356.
Familial adenomatous polyposis 1 (FAP1). Also called: FAMILIAL ADENOMATOUS POLYPOSIS 1, ATTENUATED; POLYPOSIS, ADENOMATOUS INTESTINAL. Identifiers: MedGen C2713442, MONDO:0021056, OMIM 175100. Disease mechanism: loss of function.

Allele frequency attached by ClinVar (database versions not stated): gnomAD exomes below 0.00001; TOPMed below 0.00001; gnomAD 0.00001.
gnomAD v4.1: 4 of 1,613,396 alleles (0.00025%); highest among the groups gnomAD compares: Non-Finnish European, 0.00034%; no homozygotes.

Submissions (7):

Labcorp Genetics (formerly Invitae), Labcorp
Classification: Likely benign for Familial adenomatous polyposis 1. Last evaluated: 2025-08-13. Review status: criteria provided, single submitter. Criteria: Invitae Variant Classification Sherloc (09022015). Collection method: clinical testing. Allele origin: germline.

Institute for Biomarker Research, Medical Diagnostic Laboratories, L.L.C.
Classification: Likely benign for Hereditary cancer-predisposing syndrome. Last evaluated: 2024-05-14. Review status: criteria provided, single submitter. Criteria: ACMG Guidelines, 2015. Collection method: clinical testing. Allele origin: germline.

Myriad Genetics, Inc.
Classification: Benign for Familial adenomatous polyposis 1. Last evaluated: 2024-02-23. Review status: criteria provided, single submitter. Criteria: Myriad Autosomal Dominant, Autosomal Recessive and X-Linked Classification Criteria (2023). Collection method: clinical testing. Allele origin: unknown.
Comment: This variant is considered benign. This variant is a silent/synonymous amino acid change and it is not expected to impact splicing.

All of Us Research Program, National Institutes of Health
Classification: Likely benign for Classic or attenuated familial adenomatous polyposis. Last evaluated: 2023-10-02. Review status: criteria provided, single submitter. Criteria: ACMG Guidelines, 2015. Collection method: clinical testing. Allele origin: germline. Inheritance: Autosomal dominant inheritance. Observed: 1 variant allele, 1 heterozygote.
Comment: This study involves interpretation of variants in research participants for the purpose of population health screening. Participant phenotype was not available at the time of variant classification. Additional details can be found in publication PMID: 35346344, PMCID: PMC8962531

Women's Health and Genetics/Laboratory Corporation of America, LabCorp
Classification: Likely benign. Last evaluated: 2020-01-31. Review status: criteria provided, single submitter. Criteria: LabCorp Variant Classification Summary - May 2015. Collection method: clinical testing. Allele origin: germline.

Color Diagnostics, LLC DBA Color Health
Classification: Likely benign for Hereditary cancer-predisposing syndrome. Last evaluated: 2018-04-05. Review status: criteria provided, single submitter. Criteria: ACMG Guidelines, 2015. Collection method: clinical testing. Allele origin: germline.

Ambry Genetics
Classification: Likely benign for Hereditary cancer-predisposing syndrome. Last evaluated: 2016-04-27. Review status: criteria provided, single submitter. Criteria: Ambry Variant Classification Scheme 2023. Collection method: clinical testing. Allele origin: germline.